The following is an entry in ClinVar:

NM_003839.4(TNFRSF11A):c.37G>A (p.Ala13Thr)

Genes: TNFRSF11A (TNF receptor superfamily member 11a; plus strand), LOC130062628 (ATAC-STARR-seq lymphoblastoid silent region 9505; plus strand). Cytogenetic location: 18q21.33.
Variant type: single nucleotide variant.
Coding change: c.37G>A on transcript NM_003839.4 (MANE Select); coding-DNA position 37, G replaced by A.
Protein change: p.Ala13Thr; replaces alanine 13 with threonine.
Molecular consequence: missense variant.
Genome position (GRCh38, 1-based): chr18:62,325,389, G>A. VCF-style: chr18-62325389-G-A. GRCh37 (hg19) VCF-style: chr18-59992622-G-A.
Other names: c.37G>A, p.Ala13Thr (NM_001270949.2, NM_001270950.2, NM_001270951.2 and 1 more transcripts); short protein forms A13T.
Identifiers: ClinVar variation 1911305 (VCV001911305.6), dbSNP rs781379689, ClinGen allele CA8983627.

ClinVar aggregate classification (germline): Uncertain significance. Review status: criteria provided, multiple submitters, no conflicts (2 of 4 stars). 2 submissions from 2 submitters: Uncertain significance (2). Last evaluated 2026-01-11.

Conditions:
Inborn genetic diseases. Identifiers: MedGen C0950123, MeSH D030342.

Allele frequency attached by ClinVar (database versions not stated): TOPMed 0.00001; gnomAD exomes 0.00004; gnomAD 0.00005; ExAC 0.00739.
gnomAD v4.1: 51 of 1,121,108 alleles (0.0045%); highest among the groups gnomAD compares: South Asian, 0.16%; 1 homozygote.

Submissions (2):

Labcorp Genetics (formerly Invitae), Labcorp
Classification: Uncertain significance. Last evaluated: 2026-01-11. Review status: criteria provided, single submitter. Criteria: Invitae Variant Classification Sherloc (09022015). Collection method: clinical testing. Allele origin: germline.
Comment: This sequence change replaces alanine, which is neutral and non-polar, with threonine, which is neutral and polar, at codon 13 of the TNFRSF11A protein (p.Ala13Thr). This variant is present in population databases (rs781379689, gnomAD 0.2%). This variant has not been reported in the literature in individuals affected with TNFRSF11A-related conditions. ClinVar contains an entry for this variant (Variation ID: 1911305). Experimental studies and prediction algorithms are not available or were not evaluated, and the functional significance of this variant is currently unknown. In summary, the available evidence is currently insufficient to determine the role of this variant in disease. Therefore, it has been classified as a Variant of Uncertain Significance.

Ambry Genetics
Classification: Uncertain significance for Inborn genetic diseases. Last evaluated: 2025-01-01. Review status: criteria provided, single submitter. Criteria: Ambry Variant Classification Scheme 2023. Collection method: clinical testing. Allele origin: germline.